The following is an entry in ClinVar:

NM_000051.4(ATM):c.662+7T>C

Gene: ATM (ATM serine/threonine kinase; plus strand). Cytogenetic location: 11q22.3.
Variant type: single nucleotide variant.
Coding change: c.662+7T>C on transcript NM_000051.4 (MANE Select); 7 bases into the intron after coding-DNA position 662, T replaced by C.
Molecular consequence: intron variant.
Genome position (GRCh38, 1-based): chr11:108,244,125, T>C. VCF-style: chr11-108244125-T-C. GRCh37 (hg19) VCF-style: chr11-108114852-T-C.
Other names: c.662+7T>C (NM_001351834.2).
Identifiers: ClinVar variation 1620744 (VCV001620744.9), dbSNP rs2135227769, ClinGen allele CA2573146446.

ClinVar aggregate classification (germline): Likely benign. Review status: criteria provided, multiple submitters, no conflicts (2 of 4 stars). 2 submissions from 2 submitters: Likely benign (2). Last evaluated 2024-04-22.

Conditions:
Familial cancer of breast. Also called: BREAST CANCER, FAMILIAL; Hereditary breast cancer; hereditary breast carcinoma. Identifiers: Orphanet 227535, MedGen C0346153, MONDO:0016419, OMIM 114480. Disease mechanism: loss of function.
Ataxia-telangiectasia syndrome (AT). Also called: Cerebello-oculocutaneous telangiectasia; Immunodeficiency with ataxia telangiectasia; Ataxia telangiectasia (A-T); Ataxia-telangiectasia, complementation group E; LOUIS-BAR SYNDROME; Ataxia-telangiectasia. Identifiers: Orphanet 100, MedGen C0004135, MONDO:0008840, OMIM 208900.

Submissions (2):

Myriad Genetics, Inc.
Classification: Likely benign for Familial cancer of breast. Last evaluated: 2024-04-22. Review status: criteria provided, single submitter. Criteria: Myriad Autosomal Dominant, Autosomal Recessive and X-Linked Classification Criteria (2023). Collection method: clinical testing. Allele origin: unknown.
Comment: This variant is considered likely benign. This variant is intronic and is not expected to impact mRNA splicing.

Labcorp Genetics (formerly Invitae), Labcorp
Classification: Likely benign for Ataxia-telangiectasia syndrome. Last evaluated: 2021-12-11. Review status: criteria provided, single submitter. Criteria: Invitae Variant Classification Sherloc (09022015). Collection method: clinical testing. Allele origin: germline.